The following is an entry in ClinVar:

ClinVar aggregate classification (germline): Uncertain significance. Review status: criteria provided, multiple submitters, no conflicts (2 of 4 stars). 2 submissions from 2 submitters: Uncertain significance (2). Last evaluated 2024-06-26.

Conditions:
Charcot-Marie-Tooth disease axonal type 2O. Also called: CHARCOT-MARIE-TOOTH DISEASE, AXONAL, AUTOSOMAL DOMINANT, TYPE 2O; CHARCOT-MARIE-TOOTH NEUROPATHY, AXONAL, TYPE 2O; Charcot-Marie-Tooth disease, axonal, type 20; Charcot-Marie-Tooth Neuropathy Type 2O. Identifiers: Orphanet 284232, MedGen C3280220, MONDO:0013644, OMIM 614228.

Submissions (2):

Labcorp Genetics (formerly Invitae), Labcorp
Classification: Uncertain significance for Charcot-Marie-Tooth disease axonal type 2O. Last evaluated: 2024-06-26. Review status: criteria provided, single submitter. Criteria: Invitae Variant Classification Sherloc (09022015). Collection method: clinical testing. Allele origin: germline.
Comment: This sequence change replaces tyrosine, which is neutral and polar, with cysteine, which is neutral and slightly polar, at codon 1630 of the DYNC1H1 protein (p.Tyr1630Cys). This variant is not present in population databases (gnomAD no frequency). This variant has not been reported in the literature in individuals affected with DYNC1H1-related conditions. ClinVar contains an entry for this variant (Variation ID: 844457). Advanced modeling of protein sequence and biophysical properties (such as structural, functional, and spatial information, amino acid conservation, physicochemical variation, residue mobility, and thermodynamic stability) performed at Invitae indicates that this missense variant is expected to disrupt DYNC1H1 protein function with a positive predictive value of 95%. In summary, the available evidence is currently insufficient to determine the role of this variant in disease. Therefore, it has been classified as a Variant of Uncertain Significance.

GeneDx
Classification: Uncertain significance. Last evaluated: 2021-04-06. Review status: criteria provided, single submitter. Criteria: GeneDx Variant Classification Process June 2021. Collection method: clinical testing. Allele origin: germline. Affected: yes.
Comment: Not observed in large population cohorts (Lek et al., 2016); In silico analysis supports that this missense variant has a deleterious effect on protein structure/function; Has not been previously published as pathogenic or benign to our knowledge

NM_001376.5(DYNC1H1):c.4889A>G (p.Tyr1630Cys)

Gene: DYNC1H1 (dynein cytoplasmic 1 heavy chain 1; plus strand). Cytogenetic location: 14q32.31.
Variant type: single nucleotide variant.
Coding change: c.4889A>G on transcript NM_001376.5 (MANE Select); coding-DNA position 4889, A replaced by G.
Protein change: p.Tyr1630Cys; replaces tyrosine 1630 with cysteine.
Molecular consequence: missense variant.
Genome position (GRCh38, 1-based): chr14:102,004,523, A>G. VCF-style: chr14-102004523-A-G. GRCh37 (hg19) VCF-style: chr14-102470860-A-G.
Other names: short protein forms Y1630C.
Identifiers: ClinVar variation 844457 (VCV000844457.12), dbSNP rs2048174582, ClinGen allele CA391044871.